The following is an entry in ClinVar:

NM_000512.5(GALNS):c.1127G>A (p.Arg376Gln)

Gene: GALNS (galactosamine (N-acetyl)-6-sulfatase; minus strand). Cytogenetic location: 16q24.3.
Variant type: single nucleotide variant.
Coding change: c.1127G>A on transcript NM_000512.5 (MANE Select); coding-DNA position 1127, G replaced by A.
Protein change: p.Arg376Gln; replaces arginine 376 with glutamine.
Molecular consequence: missense variant.
Genome position (GRCh38, 1-based): chr16:88,826,714, C>T on the plus strand (G>A on the coding strand, the complement: GALNS is on the minus strand). VCF-style: chr16-88826714-C-T. GRCh37 (hg19) VCF-style: chr16-88893122-C-T.
Other names: c.572G>A, p.Arg191Gln (NM_001323543.2); c.1145G>A, p.Arg382Gln (NM_001323544.2); short protein forms R376Q, R191Q, R382Q.
Identifiers: ClinVar variation 193597 (VCV000193597.33), dbSNP rs150734270, ClinGen allele CA239140.

ClinVar aggregate classification (germline): Conflicting classifications of pathogenicity. Review status: criteria provided, conflicting classifications (1 of 4 stars). 13 submissions from 13 submitters: Uncertain significance (11); Likely benign (2). Last evaluated 2026-05-27.

Conditions:
GALNS-related disorder. Also called: GALNS-related condition.
Mucopolysaccharidosis, MPS-IV-A (MPS4A). Also called: Mucopolysaccharidosis type IV A; MPS IVA; GALACTOSAMINE-6-SULFATASE DEFICIENCY; GALNS DEFICIENCY; MORQUIO A DISEASE; mucopolysaccharidosis type 4A. Identifiers: Orphanet 309297, Orphanet 582, MedGen C0086651, MONDO:0009659, OMIM 253000.

Allele frequency attached by ClinVar (database versions not stated): gnomAD exomes 0.00177; TOPMed 0.00233; ExAC 0.00130; ESP Exome Variant Server 0.00131; 1000 Genomes Project 0.00140; 1000 Genomes Project 30x 0.00141; gnomAD 0.00170 and 0.00173.
gnomAD v4.1: 3,529 of 1,612,536 alleles (0.22%); highest among the groups gnomAD compares: Admixed American, 0.48%; 7 homozygotes.

Submissions (13):

PreventionGenetics, part of Exact Sciences
Classification: Uncertain significance for GALNS-related condition. Last evaluated: 2026-05-27. Review status: criteria provided, single submitter. Criteria: ACMG Guidelines, 2015. Collection method: clinical testing. Allele origin: germline.
Comment: The GALNS c.1127G>A variant is predicted to result in the amino acid substitution p.Arg376Gln. This variant has been reported in the homozygous and compound heterozygous states in two individuals with clinical features of mucopolysaccharidosis IVa (MPS IVa) (Yamada et al. 1998. PubMed ID: 9521421; Tomatsu et al. 2004. PubMed ID: 15235041). It has also been reported in the heterozygous state (where a second disease-causing GALNS variant was not identified) in an individual with low suspicion of lysosomal storage disorder (Fernández-Marmiesse et al. 2014. PubMed ID: 24767253) and in an individual with positive newborn screening for mucopolysaccharidosis IVA (Chien et al. 2020. PubMed ID: 32014045). However, this variant is reported in 0.42% of alleles in individuals of Latino descent in gnomAD, including one homozygote, which may be too frequent to be a primary cause of GALNS-related disease. This variant has conflicting interpretations regarding its pathogenicity in ClinVar, ranging from uncertain significance to likely benign (Variation ID: 193597). Therefore, although we suspect that this variant may be benign, the clinical significance of this variant is uncertain at this time due to the absence of conclusive functional and genetic evidence.

Women's Health and Genetics/Laboratory Corporation of America, LabCorp
Classification: Uncertain significance. Last evaluated: 2025-07-09. Review status: criteria provided, single submitter. Criteria: LabCorp Variant Classification Summary - May 2015. Collection method: clinical testing. Allele origin: germline.
Comment: Variant summary: GALNS c.1127G>A (p.Arg376Gln) results in a conservative amino acid change in the encoded protein sequence. Algorithms developed to predict the effect of missense changes on protein structure and function all suggest that this variant is likely to be tolerated. The variant allele was found at a frequency of 0.0018 in 247092 control chromosomes, predominantly at a frequency of 0.0042 within the Latino subpopulation in the gnomAD database, including 1 homozygotes. The observed variant frequency within Latino control individuals in the gnomAD database is approximately 2 fold of the estimated maximal expected allele frequency for a pathogenic variant in GALNS causing Mucopolysaccharidosis Type IVA (Morquio Syndrome A) phenotype (0.002). c.1127G>A has been observed in individual(s) affected with Mucopolysaccharidosis Type IVA (Morquio Syndrome A) (Yamada_1998, Tomatsu_2004, Chuang_2021). These data indicate that the variant may be associated with disease. To our knowledge, no experimental evidence demonstrating an impact on protein function has been reported. The following publications have been ascertained in the context of this evaluation (PMID: 24767253, 10814710, 15235041, 9521421, 25137622, 25501214, 16287098, 30487145, 25287660, 16837223, 22940367, 32014045, 34573925, 10699374, 32102177). ClinVar contains an entry for this variant (Variation ID: 193597). Based on the evidence outlined above, the variant was classified as VUS-possibly benign.

Revvity Omics, Revvity
Classification: Uncertain significance for Mucopolysaccharidosis, MPS-IV-A. Last evaluated: 2024-12-17. Review status: criteria provided, single submitter. Criteria: ACMG Guidelines, 2015. Collection method: clinical testing. Allele origin: germline.

Blueprint Genetics
Classification: Uncertain significance. Last evaluated: 2024-10-28. Review status: criteria provided, single submitter. Criteria: ACMG Guidelines, 2015. Collection method: clinical testing. Allele origin: germline.

Fulgent Genetics
Classification: Uncertain significance for Mucopolysaccharidosis, MPS-IV-A. Last evaluated: 2024-06-18. Review status: criteria provided, single submitter. Criteria: ACMG Guidelines, 2015. Collection method: clinical testing. Allele origin: germline.

Daryl Scott Lab, Baylor College of Medicine
Classification: Uncertain significance for Mucopolysaccharidosis, MPS-IV-A. Last evaluated: 2024-01-01. Review status: criteria provided, single submitter. Criteria: ACMG Guidelines, 2015. Collection method: clinical testing. Allele origin: maternal. Observed: 1 heterozygote.
Comment: PS4, BS1

Mayo Clinic Laboratories, Mayo Clinic
Classification: Uncertain significance. Last evaluated: 2023-07-11. Review status: criteria provided, single submitter. Criteria: ACMG Guidelines, 2015. Collection method: clinical testing. Allele origin: germline. Observed: 1 variant allele.
Comment: BS1

Labcorp Genetics (formerly Invitae), Labcorp
Classification: Uncertain significance for Mucopolysaccharidosis, MPS-IV-A. Last evaluated: 2022-10-24. Review status: criteria provided, single submitter. Criteria: Invitae Variant Classification Sherloc (09022015). Collection method: clinical testing. Allele origin: germline.
Comment: This sequence change replaces arginine, which is basic and polar, with glutamine, which is neutral and polar, at codon 376 of the GALNS protein (p.Arg376Gln). This variant is present in population databases (rs150734270, gnomAD 0.4%), including at least one homozygous and/or hemizygous individual. This missense change has been observed in individuals with mucopolysaccharidosis IVA (PMID: 9521421, 15235041). ClinVar contains an entry for this variant (Variation ID: 193597). Advanced modeling of protein sequence and biophysical properties (such as structural, functional, and spatial information, amino acid conservation, physicochemical variation, residue mobility, and thermodynamic stability) performed at Invitae indicates that this missense variant is not expected to disrupt GALNS protein function. In summary, the available evidence is currently insufficient to determine the role of this variant in disease. Therefore, it has been classified as a Variant of Uncertain Significance.

Genome-Nilou Lab
Classification: Likely benign for Mucopolysaccharidosis, MPS-IV-A. Last evaluated: 2021-11-07. Review status: criteria provided, single submitter. Criteria: ACMG Guidelines, 2015. Collection method: clinical testing. Allele origin: germline. Affected: no.

Greenwood Genetic Center Diagnostic Laboratories, Greenwood Genetic Center
Classification: Uncertain significance. Last evaluated: 2021-09-27. Review status: criteria provided, single submitter. Criteria: ACMG Guidelines, 2015. Collection method: clinical testing. Allele origin: germline. Affected: yes.
Comment: BP4

Laboratory of Diagnosis and Therapy of Lysosomal Disorders, University of Padova
Classification: Uncertain significance for Mucopolysaccharidosis, MPS-IV-A. Last evaluated: 2021-02-01. Review status: criteria provided, single submitter. Criteria: ACMG Guidelines, 2015. Collection method: curation. Allele origin: germline. Affected: yes.
Comment: No evidence available

Illumina Laboratory Services, Illumina
Classification: Likely benign for Mucopolysaccharidosis, MPS-IV-A. Last evaluated: 2017-04-27. Review status: criteria provided, single submitter. Criteria: ICSL Variant Classification Criteria 13 December 2019. Collection method: clinical testing. Allele origin: germline.
Comment: This variant was observed as part of a predisposition screen in an ostensibly healthy population. A literature search was performed for the gene, cDNA change, and amino acid change (where applicable). Publications were found based on this search. The evidence from the literature, in combination with allele frequency data from public databases where available, was sufficient to determine this variant is unlikely to cause disease. Therefore, this variant is classified as likely benign.

Eurofins Ntd Llc (ga)
Classification: Uncertain significance. Last evaluated: 2016-04-18. Review status: criteria provided, single submitter. Criteria: EGL Classification Definitions 2015. Collection method: clinical testing. Allele origin: germline. Observed: 6 variant alleles, 6 heterozygotes.

Literature cited by the submitters: PubMed 24767253 (cited by Women's Health and Genetics/Laboratory Corporation of America, LabCorp and Mayo Clinic Laboratories, Mayo Clinic); PubMed 10814710 (cited by 3 submitters); PubMed 15235041 (cited by 5 submitters); PubMed 9521421 (cited by 5 submitters); PubMed 25137622 (cited by Women's Health and Genetics/Laboratory Corporation of America, LabCorp); PubMed 25501214 (cited by Women's Health and Genetics/Laboratory Corporation of America, LabCorp and Mayo Clinic Laboratories, Mayo Clinic); PubMed 16287098 (cited by Women's Health and Genetics/Laboratory Corporation of America, LabCorp); PubMed 30487145 (cited by Women's Health and Genetics/Laboratory Corporation of America, LabCorp and Mayo Clinic Laboratories, Mayo Clinic); PubMed 25287660 (cited by Women's Health and Genetics/Laboratory Corporation of America, LabCorp and Mayo Clinic Laboratories, Mayo Clinic); PubMed 16837223 (cited by Women's Health and Genetics/Laboratory Corporation of America, LabCorp); PubMed 22940367 (cited by Women's Health and Genetics/Laboratory Corporation of America, LabCorp and Mayo Clinic Laboratories, Mayo Clinic); PubMed 32014045 (cited by 3 submitters); PubMed 34573925 (cited by Women's Health and Genetics/Laboratory Corporation of America, LabCorp); PubMed 10699374 (cited by Women's Health and Genetics/Laboratory Corporation of America, LabCorp and Mayo Clinic Laboratories, Mayo Clinic); PubMed 32102177 (cited by Women's Health and Genetics/Laboratory Corporation of America, LabCorp); PubMed 32483926 (cited by Mayo Clinic Laboratories, Mayo Clinic); PubMed 34387910 (cited by Mayo Clinic Laboratories, Mayo Clinic and Laboratory of Diagnosis and Therapy of Lysosomal Disorders, University of Padova); PubMed 34405919 (cited by Mayo Clinic Laboratories, Mayo Clinic).